The following is an entry in ClinVar:

NM_014714.4(IFT140):c.3881T>C (p.Ile1294Thr)

Gene: IFT140 (intraflagellar transport 140; minus strand). Cytogenetic location: 16p13.3.
Variant type: single nucleotide variant.
Coding change: c.3881T>C on transcript NM_014714.4 (MANE Select); coding-DNA position 3881, T replaced by C.
Protein change: p.Ile1294Thr; replaces isoleucine 1294 with threonine.
Molecular consequence: missense variant.
Genome position (GRCh38, 1-based): chr16:1,520,040, A>G on the plus strand (T>C on the coding strand, the complement: IFT140 is on the minus strand). VCF-style: chr16-1520040-A-G. GRCh37 (hg19) VCF-style: chr16-1570041-A-G.
Other names: short protein forms I1294T.
Identifiers: ClinVar variation 839535 (VCV000839535.8), dbSNP rs539917190, ClinGen allele CA7812987.

ClinVar aggregate classification (germline): Uncertain significance. Review status: criteria provided, multiple submitters, no conflicts (2 of 4 stars). 4 submissions from 4 submitters: Uncertain significance (4). Last evaluated 2024-06-19.

Conditions:
Retinitis pigmentosa 80 (RP80). Identifiers: MedGen C4540439, MONDO:0054708, OMIM 617781.
Saldino-Mainzer syndrome (SRTD9). Also called: CONORENAL SYNDROME; SHORT-RIB THORACIC DYSPLASIA 9 WITHOUT POLYDACTYLY; Renal dysplasia, retinal pigmentary dystrophy, cerebellar ataxia and skeletal dysplasia; short-rib thoracic dysplasia 9 with or without polydactyly. Identifiers: Orphanet 140969, MedGen C1849437, MONDO:0009964, OMIM 266920.
Inborn genetic diseases. Identifiers: MedGen C0950123, MeSH D030342.

Allele frequency attached by ClinVar (database versions not stated): TOPMed 0.00002; gnomAD 0.00004 and 0.00005; ExAC 0.00005; gnomAD exomes 0.00005 and 0.00007.
gnomAD v4.1: 82 of 1,601,680 alleles (0.0051%); highest among the groups gnomAD compares: Middle Eastern, 0.017%; no homozygotes.

Submissions (4):

Blueprint Genetics
Classification: Uncertain significance. Last evaluated: 2024-06-19. Review status: criteria provided, single submitter. Criteria: ACMG Guidelines, 2015. Collection method: clinical testing. Allele origin: germline.

Ambry Genetics
Classification: Uncertain significance for Inborn genetic diseases. Last evaluated: 2024-03-11. Review status: criteria provided, single submitter. Criteria: Ambry Variant Classification Scheme 2023. Collection method: clinical testing. Allele origin: germline.

Labcorp Genetics (formerly Invitae), Labcorp
Classification: Uncertain significance for Saldino-Mainzer syndrome. Last evaluated: 2023-12-07. Review status: criteria provided, single submitter. Criteria: Invitae Variant Classification Sherloc (09022015). Collection method: clinical testing. Allele origin: germline.
Comment: This sequence change replaces isoleucine, which is neutral and non-polar, with threonine, which is neutral and polar, at codon 1294 of the IFT140 protein (p.Ile1294Thr). The frequency data for this variant in the population databases is considered unreliable, as metrics indicate poor data quality at this position in the gnomAD database. This variant has not been reported in the literature in individuals affected with IFT140-related conditions. ClinVar contains an entry for this variant (Variation ID: 839535). Advanced modeling of protein sequence and biophysical properties (such as structural, functional, and spatial information, amino acid conservation, physicochemical variation, residue mobility, and thermodynamic stability) has been performed at Invitae for this missense variant, however the output from this modeling did not meet the statistical confidence thresholds required to predict the impact of this variant on IFT140 protein function. In summary, the available evidence is currently insufficient to determine the role of this variant in disease. Therefore, it has been classified as a Variant of Uncertain Significance.

Fulgent Genetics
Classification: Uncertain significance for Saldino-Mainzer syndrome; Retinitis pigmentosa 80. Last evaluated: 2022-04-19. Review status: criteria provided, single submitter. Criteria: ACMG Guidelines, 2015. Collection method: clinical testing. Allele origin: unknown.